The following is an entry in ClinVar:

NM_001130438.3(SPTAN1):c.1688T>G (p.Met563Arg)

Gene: SPTAN1 (spectrin alpha, non-erythrocytic 1; plus strand). Cytogenetic location: 9q34.11.
Variant type: single nucleotide variant.
Coding change: c.1688T>G on transcript NM_001130438.3 (MANE Select); coding-DNA position 1688, T replaced by G.
Protein change: p.Met563Arg; replaces methionine 563 with arginine.
Molecular consequence: missense variant.
Genome position (GRCh38, 1-based): chr9:128,582,731, T>G. VCF-style: chr9-128582731-T-G. GRCh37 (hg19) VCF-style: chr9-131345010-T-G.
Other names: c.1688T>G, p.Met563Arg (NM_001195532.2, NM_001363759.2, NM_001363765.2 and 5 more transcripts); c.1724T>G, p.Met575Arg (NM_001375312.2, NM_001375318.1); short protein forms M563R, M575R.
Identifiers: ClinVar variation 3697884 (VCV003697884.2).

ClinVar aggregate classification (germline): Uncertain significance (1 of 4 stars; one submission).

Conditions:
Early-infantile DEE. Also called: Early infantile epileptic encephalopathy with suppression bursts; Early infantile epileptic encephalopathy; Ohtahara syndrome. Identifiers: Orphanet 1934, MedGen C0393706, MONDO:0800491.

Submission:

Labcorp Genetics (formerly Invitae), Labcorp
Classification: Uncertain significance for Early-infantile DEE. Last evaluated: 2024-02-23. Review status: criteria provided, single submitter. Criteria: Invitae Variant Classification Sherloc (09022015). Collection method: clinical testing. Allele origin: germline.
Comment: This sequence change replaces methionine, which is neutral and non-polar, with arginine, which is basic and polar, at codon 563 of the SPTAN1 protein (p.Met563Arg). This variant is not present in population databases (gnomAD no frequency). This variant has not been reported in the literature in individuals affected with SPTAN1-related conditions. Advanced modeling of protein sequence and biophysical properties (such as structural, functional, and spatial information, amino acid conservation, physicochemical variation, residue mobility, and thermodynamic stability) has been performed at Invitae for this missense variant, however the output from this modeling did not meet the statistical confidence thresholds required to predict the impact of this variant on SPTAN1 protein function. In summary, the available evidence is currently insufficient to determine the role of this variant in disease. Therefore, it has been classified as a Variant of Uncertain Significance.